The following is an entry in ClinVar:

NM_001277.3(CHKA):c.1021T>C (p.Phe341Leu)

Gene: CHKA (choline kinase alpha; minus strand). Cytogenetic location: 11q13.2.
Variant type: single nucleotide variant.
Coding change: c.1021T>C on transcript NM_001277.3 (MANE Select); coding-DNA position 1021, T replaced by C.
Protein change: p.Phe341Leu; replaces phenylalanine 341 with leucine.
Molecular consequence: missense variant. On other transcripts: non-coding transcript variant (1).
Genome position (GRCh38, 1-based): chr11:68,065,890, A>G on the plus strand (T>C on the coding strand, the complement: CHKA is on the minus strand). VCF-style: chr11-68065890-A-G. GRCh37 (hg19) VCF-style: chr11-67833357-A-G.
Other names: c.967T>C, p.Phe323Leu (NM_212469.2); c.1051T>C, p.Phe351Leu (NM_001376219.1); c.907T>C, p.Phe303Leu (NM_001376220.1); c.655T>C, p.Phe219Leu (NM_001376221.1); c.601T>C, p.Phe201Leu (NM_001376222.1); short protein forms F201L, F219L, F303L, F323L, F341L, F351L.
Identifiers: ClinVar variation 1325848 (VCV001325848.5), dbSNP rs2134518071, ClinGen allele CA381598423.

ClinVar aggregate classification (germline): Likely pathogenic. Review status: criteria provided, single submitter (1 of 4 stars). 3 submissions from 2 submitters: Likely pathogenic (2). 1 of the submissions does not count toward it. Last evaluated 2024-08-08.

Conditions:
Microcephaly. Also called: Microcephaly (disease). Identifiers: MedGen C4551563, MONDO:0001149, HP:0000252.
Severe intellectual disability. Identifiers: MedGen C0036857, HP:0010864.
Seizure. Also called: Seizures. Identifiers: MedGen C0036572, HP:0001250.
Neurodevelopmental disorder with microcephaly, movement abnormalities, and seizures (NEDMIMS). Identifiers: MedGen C5774208, MONDO:0859282, OMIM 620023.

Submissions (3):

Institute of Human Genetics, University of Leipzig Medical Center
Classification: Likely pathogenic for Neurodevelopmental disorder with microcephaly, movement abnormalities, and seizures. Last evaluated: 2024-08-08. Review status: criteria provided, single submitter. Criteria: ACMG Guidelines, 2015. Collection method: clinical testing. Allele origin: maternal. Inheritance: Autosomal recessive inheritance. Affected: yes.
Comment: Criteria applied: PM2,PM3,PS3_SUP,PM1_SUP,PP3; Identified as compund heterozygous with NM_001277.3:c.14dup

Institute of Human Genetics, University of Leipzig Medical Center
Classification: Likely pathogenic for Severe intellectual disability; Seizure; Microcephaly. Last evaluated: 2021-10-15. Review status: criteria provided, single submitter. Criteria: ACMG Guidelines, 2015. Collection method: research. Allele origin: germline. Affected: yes.
Comment: Criteria applied: PS3, PM2_Supporting, PP3

OMIM
Classification: Pathogenic for NEURODEVELOPMENTAL DISORDER WITH MICROCEPHALY, MOVEMENT ABNORMALITIES, AND SEIZURES. Last evaluated: 2022-09-01. Review status: no assertion criteria provided. Collection method: literature only. Allele origin: germline. Not counted in ClinVar's aggregate classification.

Literature cited by the submitters: DOI 10.1101/2021.10.21.21265050 (cited by Institute of Human Genetics, University of Leipzig Medical Center); PubMed 35202461 (cited by OMIM).